The following is an entry in ClinVar:

ClinVar aggregate classification (germline): Likely benign (1 of 4 stars; one submission).

Conditions:
Neutral lipid storage myopathy (NLSDM). Also called: NEUTRAL LIPID STORAGE DISEASE WITHOUT ICHTHYOSIS. Identifiers: Orphanet 98908, MedGen C1853136, MONDO:0012545, OMIM 610717.

Allele frequency attached by ClinVar (database versions not stated): ExAC 0.00009; gnomAD exomes 0.00019; TOPMed 0.00027; gnomAD 0.00038; 1000 Genomes Project 0.00060; 1000 Genomes Project 30x 0.00078.
gnomAD v4.1: 49 of 1,476,810 alleles (0.0033%); highest among the groups gnomAD compares: East Asian, 0.13%; no homozygotes.

Submission:

Illumina Laboratory Services, Illumina
Classification: Likely benign for Neutral lipid storage myopathy. Last evaluated: 2018-01-13. Review status: criteria provided, single submitter. Criteria: ICSL Variant Classification Criteria 13 December 2019. Collection method: clinical testing. Allele origin: germline.
Comment: This variant was observed in the ICSL laboratory as part of a predisposition screen in an ostensibly healthy population. It had not been previously curated by ICSL or reported in the Human Gene Mutation Database (HGMD: prior to June 1st, 2018), and was therefore a candidate for classification through an automated scoring system. Utilizing variant allele frequency, disease prevalence and penetrance estimates, and inheritance mode, an automated score was calculated to assess if this variant is too frequent to cause the disease. Based on the score and internal cut-off values, a variant classified as likely benign is not then subjected to further curation. The score for this variant resulted in a classification of likely benign for this disease.

NM_020376.4(PNPLA2):c.-19C>A

Genes: PNPLA2 (patatin like domain 2, triacylglycerol lipase; plus strand), LOC130005097 (ATAC-STARR-seq lymphoblastoid silent region 3036; plus strand). Cytogenetic location: 11p15.5.
Variant type: single nucleotide variant.
Coding change: c.-19C>A on transcript NM_020376.4 (MANE Select); 19 bases upstream of the start codon, C replaced by A.
Molecular consequence: 5 prime UTR variant.
Genome position (GRCh38, 1-based): chr11:819,700, C>A. VCF-style: chr11-819700-C-A. GRCh37 (hg19) VCF-style: chr11-819700-C-A.
Identifiers: ClinVar variation 306293 (VCV000306293.5), dbSNP rs550469869, ClinGen allele CA5790882.